The following is an entry in ClinVar:

ClinVar aggregate classification (germline): Uncertain significance (1 of 4 stars; one submission).

Conditions:
POLD1-related polyposis and colorectal cancer syndrome (CRCS10). Also called: Colorectal cancer 10; COLORECTAL CANCER, SUSCEPTIBILITY TO, ON CHROMOSOME 19q; Colorectal cancer, susceptibility to, 10. Identifiers: Orphanet 220460, MedGen C2675481, MONDO:0012953, OMIM 612591.

Submission:

Labcorp Genetics (formerly Invitae), Labcorp
Classification: Uncertain significance for POLD1-related polyposis and colorectal cancer syndrome. Last evaluated: 2024-04-16. Review status: criteria provided, single submitter. Criteria: Invitae Variant Classification Sherloc (09022015). Collection method: clinical testing. Allele origin: germline.
Comment: This sequence change falls in intron 8 of the POLD1 gene. It does not directly change the encoded amino acid sequence of the POLD1 protein. This variant is not present in population databases (gnomAD no frequency). This variant has not been reported in the literature in individuals affected with POLD1-related conditions. Algorithms developed to predict the effect of sequence changes on RNA splicing suggest that this variant may disrupt the consensus splice site. In summary, the available evidence is currently insufficient to determine the role of this variant in disease. Therefore, it has been classified as a Variant of Uncertain Significance.

NM_002691.4(POLD1):c.971-17_971-8del

Gene: POLD1 (DNA polymerase delta 1, catalytic subunit; plus strand). Cytogenetic location: 19q13.33.
Variant type: Deletion.
Coding change: c.971-17_971-8del on transcript NM_002691.4 (MANE Select); 17 bases into the intron before coding-DNA position 971 through 8 bases into the intron before coding-DNA position 971, 10 bases deleted (ATCCTCCTGC; older notation c.971-17_971-8delATCCTCCTGC).
Molecular consequence: intron variant.
Genome position (GRCh38, 1-based): chr19:50,403,036-50,403,045, ATCCTCCTGC deleted; deleting any 10 consecutive bases within chr19:50,403,031-50,403,045 gives the same sequence; the c. name uses the placement nearest the transcript's 3' end. VCF-style (leftmost placement, unchanged base first): chr19-50403030-CCCTGCATCCT-C. GRCh37 (hg19) VCF-style: chr19-50906287-CCCTGCATCCT-C.
Other names: c.971-17_971-8del (NM_001256849.1, NM_001308632.1).
Identifiers: ClinVar variation 3650059 (VCV003650059.2).